The following is an entry in ClinVar:

ClinVar aggregate classification (germline): Uncertain significance. Review status: criteria provided, multiple submitters, no conflicts (2 of 4 stars). 3 submissions from 3 submitters: Uncertain significance (3). Last evaluated 2025-12-03.

Conditions:
DICER1-related tumor predisposition. Also called: DICER1-related pleuropulmonary blastoma cancer predisposition syndrome; DICER1 syndrome. Identifiers: Orphanet 284343, MedGen C3839822, MONDO:0100216.
Hereditary cancer-predisposing syndrome. Also called: Neoplastic Syndromes, Hereditary; Hereditary Cancer Syndrome; Hereditary neoplastic syndrome; Tumor predisposition. Identifiers: Orphanet 140162, MedGen C0027672, MeSH D009386, MONDO:0015356.

Allele frequency attached by ClinVar (database versions not stated): gnomAD exomes below 0.00001; ExAC 0.00001.
gnomAD v4.1: 1 of 1,614,174 alleles (0.000062%); highest among the groups gnomAD compares: South Asian, 0.0011%; no homozygotes.

Submissions (3):

Ambry Genetics
Classification: Uncertain significance for Hereditary cancer-predisposing syndrome. Last evaluated: 2025-12-03. Review status: criteria provided, single submitter. Criteria: Ambry Variant Classification Scheme 2023. Collection method: clinical testing. Allele origin: germline.
Comment: The p.L1237F variant (also known as c.3709C>T), located in coding exon 20 of the DICER1 gene, results from a C to T substitution at nucleotide position 3709. The leucine at codon 1237 is replaced by phenylalanine, an amino acid with highly similar properties. This amino acid position is well conserved in available vertebrate species. In addition, the in silico prediction for this alteration is inconclusive. Since supporting evidence is limited at this time, the clinical significance of this alteration remains unclear.

Hereditary Cancer Group, L’Institut d'Investigació Biomèdica de Bellvitge
Classification: Uncertain significance for Hereditary cancer-predisposing syndrome. Last evaluated: 2024-12-19. Review status: criteria provided, single submitter. Criteria: Hatton et al. (Hum Mutat. 2023). Collection method: clinical testing. Allele origin: germline. Inheritance: Autosomal dominant inheritance. Affected: yes.
Comment: PM2_supporting, BP4

Labcorp Genetics (formerly Invitae), Labcorp
Classification: Uncertain significance for DICER1-related tumor predisposition. Last evaluated: 2024-05-19. Review status: criteria provided, single submitter. Criteria: Invitae Variant Classification Sherloc (09022015). Collection method: clinical testing. Allele origin: germline.
Comment: This sequence change replaces leucine, which is neutral and non-polar, with phenylalanine, which is neutral and non-polar, at codon 1237 of the DICER1 protein (p.Leu1237Phe). This variant is present in population databases (rs757460313, gnomAD 0.003%). This variant has not been reported in the literature in individuals affected with DICER1-related conditions. ClinVar contains an entry for this variant (Variation ID: 824104). Advanced modeling of protein sequence and biophysical properties (such as structural, functional, and spatial information, amino acid conservation, physicochemical variation, residue mobility, and thermodynamic stability) performed at Invitae indicates that this missense variant is not expected to disrupt DICER1 protein function with a negative predictive value of 80%. In summary, the available evidence is currently insufficient to determine the role of this variant in disease. Therefore, it has been classified as a Variant of Uncertain Significance.

NM_177438.3(DICER1):c.3709C>T (p.Leu1237Phe)

Gene: DICER1 (dicer 1, ribonuclease III; minus strand). Cytogenetic location: 14q32.13.
Variant type: single nucleotide variant.
Coding change: c.3709C>T on transcript NM_177438.3 (MANE Select); coding-DNA position 3709, C replaced by T.
Protein change: p.Leu1237Phe; replaces leucine 1237 with phenylalanine.
Molecular consequence: missense variant.
Genome position (GRCh38, 1-based): chr14:95,103,687, G>A on the plus strand (C>T on the coding strand, the complement: DICER1 is on the minus strand). VCF-style: chr14-95103687-G-A. GRCh37 (hg19) VCF-style: chr14-95570024-G-A.
Other names: c.3709C>T, p.Leu1237Phe (NM_001195573.1, NM_001271282.3, NM_001291628.2 and 1 more transcripts); short protein forms L1237F.
Identifiers: ClinVar variation 824104 (VCV000824104.15), dbSNP rs757460313, ClinGen allele CA7331001.